The following is an entry in ClinVar:

ClinVar aggregate classification (germline): Uncertain significance. Review status: criteria provided, multiple submitters, no conflicts (2 of 4 stars). 2 submissions from 2 submitters: Uncertain significance (2). Last evaluated 2023-02-15.

Conditions:
Hereditary cancer-predisposing syndrome. Also called: Neoplastic Syndromes, Hereditary; Tumor predisposition; Hereditary Cancer Syndrome; Hereditary neoplastic syndrome. Identifiers: Orphanet 140162, MedGen C0027672, MeSH D009386, MONDO:0015356.
Ataxia-telangiectasia syndrome (AT). Also called: Ataxia telangiectasia (A-T); Ataxia-telangiectasia, complementation group D; AT, COMPLEMENTATION GROUP C; ATAXIA-TELANGIECTASIA, COMPLEMENTATION GROUP A; Ataxia-telangiectasia, complementation group E; ATAXIA-TELANGIECTASIA, FRESNO VARIANT. Identifiers: Orphanet 100, MedGen C0004135, MONDO:0008840, OMIM 208900.

Submissions (2):

Labcorp Genetics (formerly Invitae), Labcorp
Classification: Uncertain significance for Ataxia-telangiectasia syndrome. Last evaluated: 2023-02-15. Review status: criteria provided, single submitter. Criteria: Invitae Variant Classification Sherloc (09022015). Collection method: clinical testing. Allele origin: germline.
Comment: In summary, the available evidence is currently insufficient to determine the role of this variant in disease. Therefore, it has been classified as a Variant of Uncertain Significance. An algorithm developed to predict the effect of missense changes on protein structure and function (PolyPhen-2) suggests that this variant is likely to be tolerated. ClinVar contains an entry for this variant (Variation ID: 565579). This variant has not been reported in the literature in individuals affected with ATM-related conditions. This variant is not present in population databases (gnomAD no frequency). This sequence change replaces threonine, which is neutral and polar, with isoleucine, which is neutral and non-polar, at codon 616 of the ATM protein (p.Thr616Ile).

Color Diagnostics, LLC DBA Color Health
Classification: Uncertain significance for Hereditary cancer-predisposing syndrome. Last evaluated: 2020-07-20. Review status: criteria provided, single submitter. Criteria: ACMG Guidelines, 2015. Collection method: clinical testing. Allele origin: germline.
Comment: This missense variant replaces threonine with isoleucine at codon 616 of the ATM protein. Computational prediction suggests that this variant may not impact protein structure and function (internally defined REVEL score threshold <= 0.5, PMID: 27666373). To our knowledge, functional studies have not been reported for this variant. This variant has not been reported in individuals affected with hereditary cancer in the literature. This variant has not been identified in the general population by the Genome Aggregation Database (gnomAD). The available evidence is insufficient to determine the role of this variant in disease conclusively. Therefore, this variant is classified as a Variant of Uncertain Significance.

NM_000051.4(ATM):c.1847C>T (p.Thr616Ile)

Gene: ATM (ATM serine/threonine kinase; plus strand). Cytogenetic location: 11q22.3.
Variant type: single nucleotide variant.
Coding change: c.1847C>T on transcript NM_000051.4 (MANE Select); coding-DNA position 1847, C replaced by T.
Protein change: p.Thr616Ile; replaces threonine 616 with isoleucine.
Molecular consequence: missense variant.
Genome position (GRCh38, 1-based): chr11:108,252,861, C>T. VCF-style: chr11-108252861-C-T. GRCh37 (hg19) VCF-style: chr11-108123588-C-T.
Other names: c.1847C>T, p.Thr616Ile (NM_001351834.2); short protein forms T616I.
Identifiers: ClinVar variation 565579 (VCV000565579.11), dbSNP rs533129312, ClinGen allele CA382535856.